The following is an entry in ClinVar:

NM_000540.3(RYR1):c.1224C>T (p.Gly408=)

Gene: RYR1 (ryanodine receptor 1; plus strand). Cytogenetic location: 19q13.2.
Variant type: single nucleotide variant.
Coding change: c.1224C>T on transcript NM_000540.3 (MANE Select); coding-DNA position 1224, C replaced by T.
Protein change: p.Gly408=; no amino-acid change (glycine 408 retained).
Molecular consequence: synonymous variant.
Genome position (GRCh38, 1-based): chr19:38,451,865, C>T. VCF-style: chr19-38451865-C-T. GRCh37 (hg19) VCF-style: chr19-38942505-C-T.
Other names: c.1224C>T, p.Gly408= (NM_001042723.2).
Identifiers: ClinVar variation 3073571 (VCV003073571.1), dbSNP rs2514010320, ClinGen allele CA507242445.
Genomic context (GRCh38, chr19:38,451,865, plus strand): 5'-GCTGACCCGCTGCCAGCAGGAGGAGTCCCAGGCCGCCCGCATGATCCACAGCACCAATGG[C>T]CTATACAACCAGTTCATCAAGTGAGCAACCTGCCCTCCCTGCTGGGGTGACTCCTGTGCT-3'
Protein context (NP_000531.2, residues 398-418): QAARMIHSTN[Gly408=]LYNQFIKSLD

ClinVar aggregate classification (germline): Likely benign (1 of 4 stars; one submission).

Conditions:
Malignant hyperthermia, susceptibility to, 1 (MHS1). Also called: Anesthesia related hyperthermia; Malignant hyperpyrexia; Fulminating hyperpyrexia; Pharmacogenic myopathy; RYR1-Related Malignant Hyperthermia Susceptibility; Malignant hyperthermia suceptibility 1. Identifiers: Orphanet 423, MedGen C2930980, MONDO:0007783, OMIM 145600.

gnomAD v4.1: 1 of 1,614,140 alleles (0.000062%); no homozygotes.

Submission:

All of Us Research Program, National Institutes of Health
Classification: Likely benign for Malignant hyperthermia, susceptibility to, 1. Last evaluated: 2023-10-02. Review status: criteria provided, single submitter. Criteria: ACMG Guidelines, 2015. Collection method: clinical testing. Allele origin: germline. Inheritance: Autosomal dominant inheritance. Observed: 1 variant allele, 1 heterozygote.
Comment: This study involves interpretation of variants in research participants for the purpose of population health screening. Participant phenotype was not available at the time of variant classification. Additional details can be found in publication PMID: 35346344, PMCID: PMC8962531